The following is an entry in ClinVar:

NM_139343.3(BIN1):c.916G>A (p.Ala306Thr)

Gene: BIN1 (bridging integrator 1; minus strand). Cytogenetic location: 2q14.3.
Variant type: single nucleotide variant.
Coding change: c.916G>A on transcript NM_139343.3 (MANE Select); coding-DNA position 916, G replaced by A.
Protein change: p.Ala306Thr; replaces alanine 306 with threonine.
Molecular consequence: missense variant.
Genome position (GRCh38, 1-based): chr2:127,059,097, C>T on the plus strand (G>A on the coding strand, the complement: BIN1 is on the minus strand). VCF-style: chr2-127059097-C-T. GRCh37 (hg19) VCF-style: chr2-127816673-C-T.
Other names: c.868G>A, p.Ala290Thr (NM_001320632.2, NM_004305.4, NM_139346.3); c.916G>A, p.Ala306Thr (NM_001320633.2, NM_001320640.2, NM_139344.3 and 1 more transcripts); c.751G>A, p.Ala251Thr (NM_001320634.1); c.823G>A, p.Ala275Thr (NM_001320641.2, NM_139347.3, NM_139348.3 and 3 more transcripts); c.835G>A, p.Ala279Thr (NM_001320642.1); short protein forms A251T, A279T, A275T, A306T, A290T.
Identifiers: ClinVar variation 2043174 (VCV002043174.2), dbSNP rs746786096, ClinGen allele CA1857237.

ClinVar aggregate classification (germline): Uncertain significance (1 of 4 stars; one submission).

Conditions:
Myopathy, centronuclear, 2 (CNM2). Also called: MYOTUBULAR MYOPATHY, AUTOSOMAL RECESSIVE. Identifiers: Orphanet 169186, MedGen CN031787, MONDO:0009709, OMIM 255200.

Allele frequency attached by ClinVar (database versions not stated): ExAC 0.00002; gnomAD 0.00001; TOPMed 0.00001.
gnomAD v4.1: 37 of 1,592,950 alleles (0.0023%); highest among the groups gnomAD compares: East Asian, 0.029%; no homozygotes.

Submission:

Labcorp Genetics (formerly Invitae), Labcorp
Classification: Uncertain significance for Myopathy, centronuclear, 2. Last evaluated: 2025-08-21. Review status: criteria provided, single submitter. Criteria: Invitae Variant Classification Sherloc (09022015). Collection method: clinical testing. Allele origin: germline.
Comment: This sequence change replaces alanine, which is neutral and non-polar, with threonine, which is neutral and polar, at codon 306 of the BIN1 protein (p.Ala306Thr). The frequency data for this variant in the population databases is considered unreliable, as metrics indicate poor data quality at this position in the gnomAD database. This variant has not been reported in the literature in individuals affected with BIN1-related conditions. ClinVar contains an entry for this variant (Variation ID: 2043174). Invitae Evidence Modeling of protein sequence and biophysical properties (such as structural, functional, and spatial information, amino acid conservation, physicochemical variation, residue mobility, and thermodynamic stability) indicates that this missense variant is not expected to disrupt BIN1 protein function with a negative predictive value of 80%. In summary, the available evidence is currently insufficient to determine the role of this variant in disease. Therefore, it has been classified as a Variant of Uncertain Significance.